The following is an entry in ClinVar:

ClinVar aggregate classification (germline): Pathogenic (1 of 4 stars; one submission).

Submission:

ARUP Laboratories, Molecular Genetics and Genomics, ARUP Laboratories
Classification: Pathogenic. Last evaluated: 2023-09-27. Review status: criteria provided, single submitter. Criteria: ARUP Molecular Germline Variant Investigation Process 2024. Collection method: clinical testing. Allele origin: germline.
Comment: The SLC4A1 c.1001del; p.Ser334IlefsTer29 variant, to our knowledge, is not reported in the medical literature or gene specific databases. This variant is also absent from the Genome Aggregation Database, indicating it is not a common polymorphism. This variant causes a frameshift by deleting a single nucleotide, so it is predicted to result in a truncated protein or mRNA subject to nonsense-mediated decay. Based on available information, this variant is considered to be pathogenic.

NM_000342.4(SLC4A1):c.1001del (p.Ser334fs)

Gene: SLC4A1 (solute carrier family 4 member 1 (Diego blood group); minus strand). Cytogenetic location: 17q21.31.
Variant type: Deletion.
Coding change: c.1001del on transcript NM_000342.4 (MANE Select); coding-DNA position 1001, one base deleted (G; older notation c.1001delG).
Protein change: p.Ser334fs; shifts the reading frame from serine 334.
Molecular consequence: frameshift variant.
Genome position (GRCh38, 1-based): chr17:44,258,499, C deleted on the plus strand (G on the coding strand, the reverse complement: SLC4A1 is on the minus strand). VCF-style (leftmost placement, unchanged base first): chr17-44258498-AC-A. GRCh37 (hg19) VCF-style: chr17-42335866-AC-A.
Other names: short protein forms S334fs.
Identifiers: ClinVar variation 2921067 (VCV002921067.1), dbSNP rs2532138089, ClinGen allele CA2739267572.